The following is an entry in ClinVar:

NM_198576.4(AGRN):c.676G>T (p.Ala226Ser)

Genes: AGRN (agrin; plus strand), LOC129929077 (ATAC-STARR-seq lymphoblastoid silent region 23; plus strand). Cytogenetic location: 1p36.33.
Variant type: single nucleotide variant.
Coding change: c.676G>T on transcript NM_198576.4 (MANE Select); coding-DNA position 676, G replaced by T.
Protein change: p.Ala226Ser; replaces alanine 226 with serine.
Molecular consequence: missense variant.
Genome position (GRCh38, 1-based): chr1:1,040,829, G>T. VCF-style: chr1-1040829-G-T. GRCh37 (hg19) VCF-style: chr1-976209-G-T.
Other names: c.676G>T, p.Ala226Ser (NM_001305275.2); c.361G>T, p.Ala121Ser (NM_001364727.2); short protein forms A121S, A226S.
Identifiers: ClinVar variation 1500546 (VCV001500546.8), dbSNP rs1449784681, ClinGen allele CA337822726.

ClinVar aggregate classification (germline): Uncertain significance (1 of 4 stars; one submission).

Conditions:
Congenital myasthenic syndrome 8. Also called: Myasthenic syndrome, congenital, 8, with pre- and postsynaptic defects; MYASTHENIC SYNDROME, CONGENITAL, DUE TO AGRIN DEFICIENCY. Identifiers: Orphanet 590, MedGen C3808739, MONDO:0014052, OMIM 615120.

Submission:

Labcorp Genetics (formerly Invitae), Labcorp
Classification: Uncertain significance for Congenital myasthenic syndrome 8. Last evaluated: 2022-07-25. Review status: criteria provided, single submitter. Criteria: Invitae Variant Classification Sherloc (09022015). Collection method: clinical testing. Allele origin: germline.
Comment: In summary, the available evidence is currently insufficient to determine the role of this variant in disease. Therefore, it has been classified as a Variant of Uncertain Significance. Algorithms developed to predict the effect of missense changes on protein structure and function are either unavailable or do not agree on the potential impact of this missense change (SIFT: "Deleterious"; PolyPhen-2: "Possibly Damaging"; Align-GVGD: "Class C0"). ClinVar contains an entry for this variant (Variation ID: 1500546). This variant has not been reported in the literature in individuals affected with AGRN-related conditions. This variant is not present in population databases (gnomAD no frequency). This sequence change replaces alanine, which is neutral and non-polar, with serine, which is neutral and polar, at codon 226 of the AGRN protein (p.Ala226Ser).